The following is an entry in ClinVar:

NM_004483.5(GCSH):c.149-3T>C

Gene: GCSH (glycine cleavage system protein H; minus strand). Cytogenetic location: 16q23.2.
Variant type: single nucleotide variant.
Coding change: c.149-3T>C on transcript NM_004483.5 (MANE Select); 3 bases into the intron before coding-DNA position 149, T replaced by C.
Molecular consequence: intron variant.
Genome position (GRCh38, 1-based): chr16:81,090,683, A>G on the plus strand (T>C on the coding strand, the complement: GCSH is on the minus strand). VCF-style: chr16-81090683-A-G. GRCh37 (hg19) VCF-style: chr16-81124288-A-G.
Identifiers: ClinVar variation 850537 (VCV000850537.8), dbSNP rs1972381011, ClinGen allele CA916081860.

ClinVar aggregate classification (germline): Uncertain significance (1 of 4 stars; one submission).

Conditions:
Glycine encephalopathy. Also called: Nonketotic hyperglycinemia; Non-ketotic hyperglycinemia. Identifiers: Orphanet 407, MedGen C0751748, MONDO:0011612, HP:0008288.

Submission:

Labcorp Genetics (formerly Invitae), Labcorp
Classification: Uncertain significance for Glycine encephalopathy. Last evaluated: 2019-02-18. Review status: criteria provided, single submitter. Criteria: Invitae Variant Classification Sherloc (09022015). Collection method: clinical testing. Allele origin: germline.
Comment: In summary, the available evidence is currently insufficient to determine the role of this variant in disease. Therefore, it has been classified as a Variant of Uncertain Significance. Nucleotide substitutions within the consensus splice site are a relatively common cause of aberrant splicing (PMID: 17576681, 9536098). Algorithms developed to predict the effect of sequence changes on RNA splicing suggest that this variant is not likely to affect RNA splicing, but this prediction has not been confirmed by published transcriptional studies. This variant has not been reported in the literature in individuals with GCSH-related conditions. This variant is not present in population databases (ExAC no frequency). This sequence change falls in intron 1 of the GCSH gene. It does not directly change the encoded amino acid sequence of the GCSH protein, but it affects a nucleotide within the consensus splice site of the intron.

Literature cited by the submitters: PubMed 17576681; PubMed 9536098.